The following is an entry in ClinVar:

NM_000719.7(CACNA1C):c.5141G>T (p.Gly1714Val)

Genes: CACNA1C (calcium voltage-gated channel subunit alpha1 C; plus strand), CACNA1C-AS1 (CACNA1C antisense RNA 1; minus strand). Cytogenetic location: 12p13.33.
Variant type: single nucleotide variant.
Coding change: c.5141G>T on transcript NM_000719.7 (MANE Select); coding-DNA position 5141, G replaced by T.
Protein change: p.Gly1714Val; replaces glycine 1714 with valine.
Molecular consequence: missense variant.
Genome position (GRCh38, 1-based): chr12:2,679,493, G>T. VCF-style: chr12-2679493-G-T. GRCh37 (hg19) VCF-style: chr12-2788659-G-T.
Other names: c.5285G>T, p.Gly1762Val (NM_001129827.2, NM_199460.4); c.5264G>T, p.Gly1755Val (NM_001129829.2); c.5141G>T, p.Gly1714Val (NM_001129830.3, NM_001129840.2, NM_001129841.2 and 4 more transcripts); c.5225G>T, p.Gly1742Val (NM_001129831.2); c.5201G>T, p.Gly1734Val (NM_001129832.2); c.5198G>T, p.Gly1733Val (NM_001129833.2, NM_001129834.2, NM_001129835.2); c.5192G>T, p.Gly1731Val (NM_001129836.2); c.5165G>T, p.Gly1722Val (NM_001129837.2, NM_001129838.2); and 3 more; short protein forms G1703V, G1720V, G1733V, G1734V, G1711V, G1722V, G1731V, G1742V.
Identifiers: ClinVar variation 1952115 (VCV001952115.5), dbSNP rs1462627241, ClinGen allele CA383378590.

ClinVar aggregate classification (germline): Uncertain significance (1 of 4 stars; one submission).

Conditions:
Long QT syndrome (LQTS). Identifiers: MedGen C0023976, MeSH D008133, MONDO:0002442. Disease mechanism: loss of function. Inheritance: Various modes of inheritance.

Allele frequency attached by ClinVar (database versions not stated): gnomAD exomes below 0.00001.
gnomAD v4.1: 1 of 1,606,802 alleles (0.000062%); highest among the groups gnomAD compares: Admixed American, 0.0017%; no homozygotes.

Submission:

Labcorp Genetics (formerly Invitae), Labcorp
Classification: Uncertain significance for Long QT syndrome. Last evaluated: 2022-10-23. Review status: criteria provided, single submitter. Criteria: Invitae Variant Classification Sherloc (09022015). Collection method: clinical testing. Allele origin: germline.
Comment: This variant is present in population databases (no rsID available, gnomAD 0.003%). In summary, the available evidence is currently insufficient to determine the role of this variant in disease. Therefore, it has been classified as a Variant of Uncertain Significance. Advanced modeling of protein sequence and biophysical properties (such as structural, functional, and spatial information, amino acid conservation, physicochemical variation, residue mobility, and thermodynamic stability) performed at Invitae indicates that this missense variant is not expected to disrupt CACNA1C protein function. This variant has not been reported in the literature in individuals affected with CACNA1C-related conditions. This sequence change replaces glycine, which is neutral and non-polar, with valine, which is neutral and non-polar, at codon 1714 of the CACNA1C protein (p.Gly1714Val).